The following is an entry in ClinVar:

NM_000051.4(ATM):c.1547T>C (p.Leu516Ser)

Gene: ATM (ATM serine/threonine kinase; plus strand). Cytogenetic location: 11q22.3.
Variant type: single nucleotide variant.
Coding change: c.1547T>C on transcript NM_000051.4 (MANE Select); coding-DNA position 1547, T replaced by C.
Protein change: p.Leu516Ser; replaces leucine 516 with serine.
Molecular consequence: missense variant.
Genome position (GRCh38, 1-based): chr11:108,251,012, T>C. VCF-style: chr11-108251012-T-C. GRCh37 (hg19) VCF-style: chr11-108121739-T-C.
Other names: c.1547T>C, p.Leu516Ser (NM_001351834.2); short protein forms L516S.
Identifiers: ClinVar variation 185468 (VCV000185468.13), dbSNP rs786202195, ClinGen allele CA192036.

ClinVar aggregate classification (germline): Conflicting classifications of pathogenicity. Review status: criteria provided, conflicting classifications (1 of 4 stars). 2 submissions from 2 submitters: Likely pathogenic (1); Uncertain significance (1). Last evaluated 2023-09-01.

Conditions:
Hereditary cancer-predisposing syndrome. Also called: Tumor predisposition; Hereditary Cancer Syndrome; Hereditary neoplastic syndrome; Neoplastic Syndromes, Hereditary. Identifiers: Orphanet 140162, MedGen C0027672, MeSH D009386, MONDO:0015356.
Ataxia-telangiectasia syndrome (AT). Also called: LOUIS-BAR SYNDROME; Cerebello-oculocutaneous telangiectasia; Immunodeficiency with ataxia telangiectasia; ATAXIA-TELANGIECTASIA, COMPLEMENTATION GROUP A; ATAXIA-TELANGIECTASIA, FRESNO VARIANT; Ataxia-telangiectasia. Identifiers: Orphanet 100, MedGen C0004135, MONDO:0008840, OMIM 208900.

Submissions (2):

Labcorp Genetics (formerly Invitae), Labcorp
Classification: Uncertain significance for Ataxia-telangiectasia syndrome. Last evaluated: 2023-09-01. Review status: criteria provided, single submitter. Criteria: Invitae Variant Classification Sherloc (09022015). Collection method: clinical testing. Allele origin: germline.
Comment: An algorithm developed to predict the effect of missense changes on protein structure and function (PolyPhen-2) suggests that this variant is likely to be disruptive. In summary, the available evidence is currently insufficient to determine the role of this variant in disease. Therefore, it has been classified as a Variant of Uncertain Significance. ClinVar contains an entry for this variant (Variation ID: 185468). This missense change has been observed in individual(s) with clinical features of ataxia telangiectasia and malignant peritoneal mesothelioma (PMID: 23509889, 30124550). This variant is not present in population databases (gnomAD no frequency). This sequence change replaces leucine, which is neutral and non-polar, with serine, which is neutral and polar, at codon 516 of the ATM protein (p.Leu516Ser).

Ambry Genetics
Classification: Likely pathogenic for Hereditary cancer-predisposing syndrome. Last evaluated: 2023-04-21. Review status: criteria provided, single submitter. Criteria: Ambry Variant Classification Scheme 2023. Collection method: clinical testing. Allele origin: germline.
Comment: The p.L516S variant (also known as c.1547T>C), located in coding exon 9 of the ATM gene, results from a T to C substitution at nucleotide position 1547. The leucine at codon 516 is replaced by serine, an amino acid with dissimilar properties. This alteration was identified in cis with ATM c.1514T>C (p.F505S) in four children from a consanguineous Arabic family with a mild presentation of Ataxia Telangiectasia, each of whose parents were found to be heterozygous for this haplotype. This same report also found that cells from these children showed reduced, but not absent, ATM protein expression as well as reduced and delayed phosphorylation of KAP1 (an ATM substrate) after neocarzinostatin-induced DNA damage (Bielorai B et al. Pediatr Hematol Oncol, 2013 Sep;30:574-82). This amino acid position is highly conserved in available vertebrate species. In addition, this alteration is predicted to be deleterious by in silico analysis. Based on the majority of available evidence to date, this variant is likely to be pathogenic.

Literature cited by the submitters: PubMed 23509889 (cited by Labcorp Genetics (formerly Invitae), Labcorp and Ambry Genetics); PubMed 30124550 (cited by Labcorp Genetics (formerly Invitae), Labcorp).